The following is an entry in ClinVar:

ClinVar aggregate classification (germline): Uncertain significance (1 of 4 stars; one submission).

Submission:

GeneDx
Classification: Uncertain significance. Last evaluated: 2025-07-16. Review status: criteria provided, single submitter. Criteria: GeneDx Variant Classification Process June 2021. Collection method: clinical testing. Allele origin: germline. Affected: yes.
Comment: Not observed at significant frequency in large population cohorts (gnomAD); In silico analysis supports that this missense variant has a deleterious effect on protein structure/function; Has not been previously published as pathogenic or benign to our knowledge

NM_006421.5(ARFGEF1):c.1339T>C (p.Ser447Pro)

Gene: ARFGEF1 (ARF guanine nucleotide exchange factor 1; minus strand). Cytogenetic location: 8q13.2.
Variant type: single nucleotide variant.
Coding change: c.1339T>C on transcript NM_006421.5 (MANE Select); coding-DNA position 1339, T replaced by C.
Protein change: p.Ser447Pro; replaces serine 447 with proline.
Molecular consequence: missense variant. On other transcripts: 5 prime UTR variant (1), non-coding transcript variant (1).
Genome position (GRCh38, 1-based): chr8:67,271,935, A>G on the plus strand (T>C on the coding strand, the complement: ARFGEF1 is on the minus strand). VCF-style: chr8-67271935-A-G. GRCh37 (hg19) VCF-style: chr8-68184170-A-G.
Other names: c.1339T>C, p.Ser447Pro (NM_001413184.1, NM_001413185.1, NM_001413186.1 and 7 more transcripts); c.739T>C, p.Ser247Pro (NM_001413188.1, NM_001413193.1, NM_001413197.1); c.-87T>C (NM_001413196.1); short protein forms S247P, S447P.
Identifiers: ClinVar variation 4686483 (VCV004686483.1).